The following is an entry in ClinVar:

NM_001349253.2(SCN11A):c.3062A>G (p.Lys1021Arg)

Gene: SCN11A (sodium voltage-gated channel alpha subunit 11; minus strand). Cytogenetic location: 3p22.2.
Variant type: single nucleotide variant.
Coding change: c.3062A>G on transcript NM_001349253.2 (MANE Select); coding-DNA position 3062, A replaced by G.
Protein change: p.Lys1021Arg; replaces lysine 1021 with arginine.
Molecular consequence: missense variant.
Genome position (GRCh38, 1-based): chr3:38,885,290, T>C on the plus strand (A>G on the coding strand, the complement: SCN11A is on the minus strand). VCF-style: chr3-38885290-T-C. GRCh37 (hg19) VCF-style: chr3-38926781-T-C.
Other names: c.3062A>G, p.Lys1021Arg (NM_014139.3); short protein forms K1021R.
Identifiers: ClinVar variation 1799384 (VCV001799384.2), dbSNP rs775829331, ClinGen allele CA2321890.
Genomic context (GRCh38, chr3:38,885,290, plus strand): 5'-AGAACAGAAACCCCATCCAAAGATTCTGTGAACTGGATGCAGAAATACTGCCACTTACCT[T>C]TGGGCAAACATCTCTCTGGTTGCTTTTTGGGAACCATCTCAGGTAACCATCCAAAGCCAT-3'
Protein context (NP_001336182.1, residues 1011-1031): PKKQPERCLP[Lys1021Arg]GFGCCFPCCS

ClinVar aggregate classification (germline): Uncertain significance (1 of 4 stars; one submission).

Conditions:
Inborn genetic diseases. Identifiers: MedGen C0950123, MeSH D030342.

Allele frequency attached by ClinVar (database versions not stated): gnomAD exomes below 0.00001; TOPMed below 0.00001; gnomAD 0.00001; ExAC 0.00002.
gnomAD v4.1: 6 of 1,584,756 alleles (0.00038%); highest among the groups gnomAD compares: South Asian, 0.0022%; no homozygotes.

Submission:

Ambry Genetics
Classification: Uncertain significance for Inborn genetic diseases. Last evaluated: 2020-10-13. Review status: criteria provided, single submitter. Criteria: Ambry Variant Classification Scheme 2023. Collection method: clinical testing. Allele origin: germline.
Comment: The p.K1021R variant (also known as c.3062A>G), located in coding exon 17 of the SCN11A gene, results from an A to G substitution at nucleotide position 3062. The lysine at codon 1021 is replaced by arginine, an amino acid with highly similar properties. This amino acid position is well conserved in available vertebrate species. In addition, this alteration is predicted to be tolerated by in silico analysis. Since supporting evidence is limited at this time, the clinical significance of this alteration remains unclear.